The following is an entry in ClinVar:

ClinVar aggregate classification (germline): Uncertain significance. Review status: criteria provided, multiple submitters, no conflicts (2 of 4 stars). 3 submissions from 3 submitters: Uncertain significance (3). Last evaluated 2024-10-18.

Conditions:
Birt-Hogg-Dube syndrome. Also called: Birt Hogg Dubé syndrome. Identifiers: Orphanet 122, MedGen C0346010, MONDO:0800444.
Hereditary cancer-predisposing syndrome. Also called: Hereditary neoplastic syndrome; Neoplastic Syndromes, Hereditary; Hereditary Cancer Syndrome; Tumor predisposition. Identifiers: Orphanet 140162, MedGen C0027672, MeSH D009386, MONDO:0015356.
Familial spontaneous pneumothorax (PSP). Identifiers: Orphanet 2903, MedGen C1868193, MONDO:0008259, OMIM 173600.
Birt-Hogg-Dube syndrome 1 (BHD1). Also called: FIBROFOLLICULOMAS WITH TRICHODISCOMAS AND ACROCHORDONS. Identifiers: Orphanet 122, MedGen CN375946, MONDO:0800445, OMIM 135150.
Nonpapillary renal cell carcinoma. Identifiers: Orphanet 422526, MedGen CN074294, MONDO:0007763, OMIM 144700.
Colorectal cancer. Also called: Colorectal cancer, somatic; Malignant Colorectal Neoplasm. Identifiers: MedGen C0346629, MONDO:0005575, OMIM 114500.

Allele frequency attached by ClinVar (database versions not stated): gnomAD exomes below 0.00001.
gnomAD v4.1: 2 of 1,613,418 alleles (0.00012%); highest among the groups gnomAD compares: South Asian, 0.0011%; no homozygotes.

Submissions (3):

Ambry Genetics
Classification: Uncertain significance for Hereditary cancer-predisposing syndrome. Last evaluated: 2024-10-18. Review status: criteria provided, single submitter. Criteria: Ambry Variant Classification Scheme 2023. Collection method: clinical testing. Allele origin: germline.
Comment: The p.N184T variant (also known as c.551A>C), located in coding exon 3 of the FLCN gene, results from an A to C substitution at nucleotide position 551. The asparagine at codon 184 is replaced by threonine, an amino acid with similar properties. This amino acid position is well conserved in available vertebrate species. In addition, the in silico prediction for this alteration is inconclusive. Since supporting evidence is limited at this time, the clinical significance of this alteration remains unclear.

Fulgent Genetics
Classification: Uncertain significance for Colorectal cancer; Birt-Hogg-Dube syndrome 1; Nonpapillary renal cell carcinoma; Familial spontaneous pneumothorax. Last evaluated: 2024-06-11. Review status: criteria provided, single submitter. Criteria: ACMG Guidelines, 2015. Collection method: clinical testing. Allele origin: germline.

Labcorp Genetics (formerly Invitae), Labcorp
Classification: Uncertain significance for Birt-Hogg-Dube syndrome. Last evaluated: 2021-04-13. Review status: criteria provided, single submitter. Criteria: Invitae Variant Classification Sherloc (09022015). Collection method: clinical testing. Allele origin: germline.
Comment: Algorithms developed to predict the effect of missense changes on protein structure and function are either unavailable or do not agree on the potential impact of this missense change (SIFT: "Deleterious"; PolyPhen-2: "Benign"; Align-GVGD: "Class C55"). In summary, the available evidence is currently insufficient to determine the role of this variant in disease. Therefore, it has been classified as a Variant of Uncertain Significance. This variant has not been reported in the literature in individuals with FLCN-related conditions. This variant is not present in population databases (ExAC no frequency). This sequence change replaces asparagine with threonine at codon 184 of the FLCN protein (p.Asn184Thr). The asparagine residue is highly conserved and there is a small physicochemical difference between asparagine and threonine.

NM_144997.7(FLCN):c.551A>C (p.Asn184Thr)

Gene: FLCN (folliculin; minus strand). Cytogenetic location: 17p11.2.
Variant type: single nucleotide variant.
Coding change: c.551A>C on transcript NM_144997.7 (MANE Select); coding-DNA position 551, A replaced by C.
Protein change: p.Asn184Thr; replaces asparagine 184 with threonine.
Molecular consequence: missense variant.
Genome position (GRCh38, 1-based): chr17:17,223,989, T>G on the plus strand (A>C on the coding strand, the complement: FLCN is on the minus strand). VCF-style: chr17-17223989-T-G. GRCh37 (hg19) VCF-style: chr17-17127303-T-G.
Other names: c.605A>C, p.Asn202Thr (NM_001353229.2); c.551A>C, p.Asn184Thr (NM_001353230.2, NM_001353231.2, NM_144606.7); short protein forms N202T, N184T.
Identifiers: ClinVar variation 1387339 (VCV001387339.12), dbSNP rs1468227944, ClinGen allele CA398534306.